The following is an entry in ClinVar:

NM_181552.4(CUX1):c.2995T>A (p.Phe999Ile)

Gene: CUX1 (cut like homeobox 1; plus strand). Cytogenetic location: 7q22.1.
Variant type: single nucleotide variant.
Coding change: c.2995T>A on transcript NM_181552.4 (MANE Select); coding-DNA position 2995, T replaced by A.
Protein change: p.Phe999Ile; replaces phenylalanine 999 with isoleucine.
Molecular consequence: missense variant. On other transcripts: intron variant (5).
Genome position (GRCh38, 1-based): chr7:102,204,478, T>A. VCF-style: chr7-102204478-T-A. GRCh37 (hg19) VCF-style: chr7-101847758-T-A.
Other names: c.3028T>A, p.Phe1010Ile (NM_001202543.2); c.1255+8875T>A (NM_001913.5); c.1249+8875T>A (NM_181500.4); c.1117+8875T>A (NM_001202545.3); c.1207+8875T>A (NM_001202544.3); c.1138+8875T>A (NM_001202546.3); short protein forms F1010I, F999I.
Identifiers: ClinVar variation 2661981 (VCV002661981.1), dbSNP rs2485520285, ClinGen allele CA368687246.

ClinVar aggregate classification (germline): Uncertain significance (1 of 4 stars; one submission).

Submission:

GeneDx
Classification: Uncertain significance. Last evaluated: 2023-04-03. Review status: criteria provided, single submitter. Criteria: GeneDx Variant Classification Process June 2021. Collection method: clinical testing. Allele origin: germline. Affected: yes.
Comment: Not observed at significant frequency in large population cohorts (gnomAD); In silico analysis supports that this missense variant has a deleterious effect on protein structure/function; Has not been previously published as pathogenic or benign to our knowledge